The following is an entry in ClinVar:

NM_001283009.2(RTEL1):c.1615T>C (p.Ser539Pro)

Genes: RTEL1 (regulator of telomere elongation helicase 1; plus strand), RTEL1-TNFRSF6B (RTEL1-TNFRSF6B readthrough (NMD candidate); plus strand). Cytogenetic location: 20q13.33.
Variant type: single nucleotide variant.
Coding change: c.1615T>C on transcript NM_001283009.2 (MANE Select); coding-DNA position 1615, T replaced by C.
Protein change: p.Ser539Pro; replaces serine 539 with proline.
Molecular consequence: missense variant. On other transcripts: non-coding transcript variant (1).
Genome position (GRCh38, 1-based): chr20:63,688,158, T>C. VCF-style: chr20-63688158-T-C. GRCh37 (hg19) VCF-style: chr20-62319511-T-C.
Other names: c.946T>C, p.Ser316Pro (NM_001283010.1); c.1615T>C, p.Ser539Pro (NM_016434.4); c.1687T>C, p.Ser563Pro (NM_032957.5); short protein forms S539P, S316P, S563P.
Identifiers: ClinVar variation 4629595 (VCV004629595.1).

ClinVar aggregate classification (germline): Uncertain significance (1 of 4 stars; one submission).

Conditions:
Inborn genetic diseases. Identifiers: MedGen C0950123, MeSH D030342.

Submission:

Ambry Genetics
Classification: Uncertain significance for Inborn genetic diseases. Last evaluated: 2025-11-09. Review status: criteria provided, single submitter. Criteria: Ambry Variant Classification Scheme 2023. Collection method: clinical testing. Allele origin: germline.
Comment: The p.S539P variant (also known as c.1615T>C), located in coding exon 18 of the RTEL1 gene, results from a T to C substitution at nucleotide position 1615. The serine at codon 539 is replaced by proline, an amino acid with similar properties. This amino acid position is conserved. In addition, the in silico prediction for this alteration is inconclusive. Based on the available evidence, the clinical significance of this variant remains unclear.